The following is an entry in ClinVar:

NM_004304.5(ALK):c.1996C>T (p.Pro666Ser)

Gene: ALK (ALK receptor tyrosine kinase; minus strand). Cytogenetic location: 2p23.2.
Variant type: single nucleotide variant.
Coding change: c.1996C>T on transcript NM_004304.5 (MANE Select); coding-DNA position 1996, C replaced by T.
Protein change: p.Pro666Ser; replaces proline 666 with serine.
Molecular consequence: missense variant.
Genome position (GRCh38, 1-based): chr2:29,275,144, G>A on the plus strand (C>T on the coding strand, the complement: ALK is on the minus strand). VCF-style: chr2-29275144-G-A. GRCh37 (hg19) VCF-style: chr2-29498010-G-A.
Other names: short protein forms P666S.
Identifiers: ClinVar variation 1038075 (VCV001038075.8), dbSNP rs752439739, ClinGen allele CA1594468.

ClinVar aggregate classification (germline): Uncertain significance (1 of 4 stars; one submission).

Conditions:
Neuroblastoma, susceptibility to, 3. Also called: ALK-Related Neuroblastic Tumor Susceptibility. Identifiers: Orphanet 635, MedGen C2751681, MONDO:0013083, OMIM 613014.

Allele frequency attached by ClinVar (database versions not stated): gnomAD exomes below 0.00001; ExAC 0.00001.
gnomAD v4.1: 1 of 1,614,130 alleles (0.000062%); highest among the groups gnomAD compares: East Asian, 0.0022%; no homozygotes.

Submission:

Labcorp Genetics (formerly Invitae), Labcorp
Classification: Uncertain significance for Neuroblastoma, susceptibility to, 3. Last evaluated: 2020-08-24. Review status: criteria provided, single submitter. Criteria: Invitae Variant Classification Sherloc (09022015). Collection method: clinical testing. Allele origin: germline.
Comment: In summary, the available evidence is currently insufficient to determine the role of this variant in disease. Therefore, it has been classified as a Variant of Uncertain Significance. Algorithms developed to predict the effect of missense changes on protein structure and function output the following: SIFT: "Tolerated"; PolyPhen-2: "Benign"; Align-GVGD: "Class C0". The serine amino acid residue is found in multiple mammalian species, suggesting that this missense change does not adversely affect protein function. These predictions have not been confirmed by published functional studies and their clinical significance is uncertain. This variant has not been reported in the literature in individuals with ALK-related conditions. This variant is present in population databases (rs752439739, ExAC 0.01%). This sequence change replaces proline with serine at codon 666 of the ALK protein (p.Pro666Ser). The proline residue is moderately conserved and there is a moderate physicochemical difference between proline and serine.